The following is an entry in ClinVar:

ClinVar aggregate classification (germline): Likely pathogenic (1 of 4 stars; one submission).

Submission:

CeGaT Center for Human Genetics Tuebingen
Classification: Likely pathogenic. Last evaluated: 2026-02-01. Review status: criteria provided, single submitter. Criteria: CeGaT Center For Human Genetics Tuebingen Variant Classification Criteria Version 2. Collection method: clinical testing. Allele origin: germline. Affected: yes. Observed: 1 variant allele.
Comment: SCN1A: PM1, PM2, PP2, PP3

NM_001165963.4(SCN1A):c.4978C>G (p.Leu1660Val)

Genes: SCN1A (sodium voltage-gated channel alpha subunit 1; minus strand), LOC102724058 (uncharacterized LOC102724058; plus strand). Cytogenetic location: 2q24.3.
Variant type: single nucleotide variant.
Coding change: c.4978C>G on transcript NM_001165963.4 (MANE Select); coding-DNA position 4978, C replaced by G.
Protein change: p.Leu1660Val; replaces leucine 1660 with valine.
Molecular consequence: missense variant. On other transcripts: non-coding transcript variant (1).
Genome position (GRCh38, 1-based): chr2:165,992,297, G>C on the plus strand (C>G on the coding strand, the complement: SCN1A is on the minus strand). VCF-style: chr2-165992297-G-C. GRCh37 (hg19) VCF-style: chr2-166848807-G-C.
Other names: c.4894C>G, p.Leu1632Val (NM_001165964.3, NM_001353957.2, NM_001353958.2); c.4978C>G, p.Leu1660Val (NM_001202435.3, NM_001353948.2); c.4945C>G, p.Leu1649Val (NM_001353949.2, NM_001353950.2, NM_001353951.2 and 2 more transcripts); c.4942C>G, p.Leu1648Val (NM_001353954.2, NM_001353955.2); c.4891C>G, p.Leu1631Val (NM_001353960.2); c.2536C>G, p.Leu846Val (NM_001353961.2); short protein forms L1631V, L1632V, L1648V, L1649V, L1660V, L846V.
Identifiers: ClinVar variation 4823245 (VCV004823245.4).
Genomic context (GRCh38, chr2:165,992,297, plus strand): 5'-CTAGGAAGAGTAGGAGGCCGATGTTAAACAACGCAGGAAGGGACATCATCAAAGCAAAGA[G>C]CAGCGTGCGGATCCCCTTTGCTCCTTTGATCAGACGTAGGATTCGGCCAATCCTAGCAAG-3'
Protein context (NP_001159435.1, residues 1650-1670): IKGAKGIRTL[Leu1660Val]FALMMSLPAL